The following is an entry in ClinVar:

NM_006904.7(PRKDC):c.1609T>G (p.Ser537Ala)

Gene: PRKDC (protein kinase, DNA-activated, catalytic subunit; minus strand). Cytogenetic location: 8q11.21.
Variant type: single nucleotide variant.
Coding change: c.1609T>G on transcript NM_006904.7 (MANE Select); coding-DNA position 1609, T replaced by G.
Protein change: p.Ser537Ala; replaces serine 537 with alanine.
Molecular consequence: missense variant.
Genome position (GRCh38, 1-based): chr8:47,933,979, A>C on the plus strand (T>G on the coding strand, the complement: PRKDC is on the minus strand). VCF-style: chr8-47933979-A-C. GRCh37 (hg19) VCF-style: chr8-48846539-A-C.
Other names: c.1609T>G, p.Ser537Ala (NM_001081640.2); short protein forms S537A.
Identifiers: ClinVar variation 3425232 (VCV003425232.1).

ClinVar aggregate classification (germline): Uncertain significance (1 of 4 stars; one submission).

gnomAD v4.1: 16 of 1,612,606 alleles (0.00099%); highest among the groups gnomAD compares: Non-Finnish European, 0.0014%; no homozygotes.

Submission:

Ambry Genetics
Classification: Uncertain significance. Last evaluated: 2024-11-01. Review status: criteria provided, single submitter. Criteria: Ambry Variant Classification Scheme 2023. Collection method: clinical testing. Allele origin: germline.
Comment: The p.S537A variant (also known as c.1609T>G), located in coding exon 15 of the PRKDC gene, results from a T to G substitution at nucleotide position 1609. The serine at codon 537 is replaced by alanine, an amino acid with similar properties. This amino acid position is conserved. In addition, this alteration is predicted to be tolerated by in silico analysis. Based on the available evidence, the clinical significance of this variant remains unclear.